The following is an entry in ClinVar:

ClinVar aggregate classification (germline): Benign/Likely benign. Review status: criteria provided, multiple submitters, no conflicts (2 of 4 stars). 3 submissions from 3 submitters: Benign (1); Likely benign (2). Last evaluated 2025-11-05.

Conditions:
Multiple endocrine neoplasia type 2A. Also called: MULTIPLE ENDOCRINE NEOPLASIA, TYPE IIA; PTC SYNDROME; SIPPLE SYNDROME; MEN 2A; MEN-2A syndrome; Pheochromocytoma and amyloid producing medullary thyroid carcinoma. Identifiers: Orphanet 247698, Orphanet 653, MedGen C0025268, MeSH D018813, MONDO:0008234, OMIM 171400.
Multiple endocrine neoplasia, type 2 (MEN2). Identifiers: Orphanet 653, MedGen C4048306, MONDO:0019003. Disease mechanism: gain of function.
Hereditary cancer-predisposing syndrome. Also called: Hereditary Cancer Syndrome; Tumor predisposition; Neoplastic Syndromes, Hereditary; Hereditary neoplastic syndrome. Identifiers: Orphanet 140162, MedGen C0027672, MeSH D009386, MONDO:0015356.

gnomAD v4.1: 3 of 1,610,460 alleles (0.00019%); highest among the groups gnomAD compares: Non-Finnish European, 0.00025%; no homozygotes.

Submissions (3):

Labcorp Genetics (formerly Invitae), Labcorp
Classification: Likely benign for Multiple endocrine neoplasia, type 2. Last evaluated: 2025-11-05. Review status: criteria provided, single submitter. Criteria: Invitae Variant Classification Sherloc (09022015). Collection method: clinical testing. Allele origin: germline.

Myriad Genetics, Inc.
Classification: Benign for Multiple endocrine neoplasia type 2A. Last evaluated: 2025-02-25. Review status: criteria provided, single submitter. Criteria: Myriad Autosomal Dominant, Autosomal Recessive and X-Linked Classification Criteria (2023). Collection method: clinical testing. Allele origin: unknown.
Comment: This variant is considered benign. This variant is a silent/synonymous amino acid change and it is not expected to impact splicing.

Ambry Genetics
Classification: Likely benign for Hereditary cancer-predisposing syndrome. Last evaluated: 2022-10-24. Review status: criteria provided, single submitter. Criteria: Ambry Variant Classification Scheme 2023. Collection method: clinical testing. Allele origin: germline.

NM_020975.6(RET):c.873C>T (p.Thr291=)

Gene: RET (ret proto-oncogene; plus strand). Cytogenetic location: 10q11.21.
Variant type: single nucleotide variant.
Coding change: c.873C>T on transcript NM_020975.6 (MANE Select); coding-DNA position 873, C replaced by T.
Protein change: p.Thr291=; no amino-acid change (threonine 291 retained).
Molecular consequence: synonymous variant. On other transcripts: intron variant (25).
Genome position (GRCh38, 1-based): chr10:43,106,381, C>T. VCF-style: chr10-43106381-C-T. GRCh37 (hg19) VCF-style: chr10-43601829-C-T.
Other names: c.873C>T, p.Thr291= (NM_000323.2, NM_001406743.1, NM_001406744.1 and 6 more transcripts); c.111C>T, p.Thr37= (NM_001355216.2); c.744C>T, p.Thr248= (NM_001406761.1, NM_001406762.1, NM_001406764.1 and 1 more transcripts); c.585C>T, p.Thr195= (NM_001406766.1, NM_001406767.1, NM_001406770.1); c.867+1188C>T (NM_001406772.1, NM_001406769.1); c.626-2650C>T (NM_001406773.1, NM_001406771.1); c.625+3752C>T (NM_001406782.1, NM_001406780.1, NM_001406779.1 and 3 more transcripts); c.738+1188C>T (NM_001406774.1); and 5 more.
Identifiers: ClinVar variation 704191 (VCV000704191.15), dbSNP rs1342683619, ClinGen allele CA469023488.